The following is an entry in ClinVar:

ClinVar aggregate classification (germline): Conflicting classifications of pathogenicity. Review status: criteria provided, conflicting classifications (1 of 4 stars). 2 submissions from 2 submitters: Uncertain significance (1); Likely benign (1). Last evaluated 2023-03-23.

Conditions:
Hereditary cancer-predisposing syndrome. Also called: Hereditary Cancer Syndrome; Hereditary neoplastic syndrome; Neoplastic Syndromes, Hereditary; Tumor predisposition. Identifiers: Orphanet 140162, MedGen C0027672, MeSH D009386, MONDO:0015356.

Submissions (2):

University of Washington Department of Laboratory Medicine, University of Washington
Classification: Likely benign for Hereditary cancer-predisposing syndrome. Last evaluated: 2023-03-23. Review status: criteria provided, single submitter. Criteria: Dines et al. (Genet Med. 2020). Collection method: curation. Allele origin: germline.
Comment: Missense variant in a coldspot region where missense variants are very unlikely to be pathogenic (PMID:31911673).

BRCA2 exon 11 coldspot. Reclassification based on statistical prior probability.

Sema4
Classification: Uncertain significance for Hereditary cancer-predisposing syndrome. Last evaluated: 2021-12-05. Review status: criteria provided, single submitter. Criteria: Sema4 Curation Guidelines. Collection method: curation. Allele origin: germline.
Comment: The BRCA2 c.5705A>T (p.D1902V) variant has not been reported in the literature to our knowledge. This variant is not reported in the population database Genome Aggregation Database (PMID: 32461654). This variant has not been reported in ClinVar. Functional studies have not been performed, and in silico predictions of the variant's effect on protein function are inconclusive. The overall evidence is insufficient to meet ACMG/AMP criteria for classifying it as benign or pathogenic. In summary, the clinical significance of this variant is currently uncertain.

NM_000059.4(BRCA2):c.5705A>T (p.Asp1902Val)

Gene: BRCA2 (BRCA2 DNA repair associated; plus strand). Cytogenetic location: 13q13.1.
Variant type: single nucleotide variant.
Coding change: c.5705A>T on transcript NM_000059.4 (MANE Select); coding-DNA position 5705, A replaced by T.
Protein change: p.Asp1902Val; replaces aspartic acid 1902 with valine.
Molecular consequence: missense variant.
Genome position (GRCh38, 1-based): chr13:32,340,060, A>T. VCF-style: chr13-32340060-A-T. GRCh37 (hg19) VCF-style: chr13-32914197-A-T.
Other names: short protein forms D1902V.
Identifiers: ClinVar variation 1692118 (VCV001692118.3), dbSNP rs2072536350, ClinGen allele CA387786747.